The following is an entry in ClinVar:

ClinVar aggregate classification (germline): Likely benign (1 of 4 stars; one submission).

Allele frequency attached by ClinVar (database versions not stated): TOPMed 0.00001; ExAC 0.00002; gnomAD 0.00002; gnomAD exomes 0.00002.
gnomAD v4.1: 26 of 1,207,409 alleles (0.0022%); highest among the groups gnomAD compares: Non-Finnish European, 0.0028%; no homozygotes.

Submission:

CeGaT Center for Human Genetics Tuebingen
Classification: Likely benign. Last evaluated: 2022-08-01. Review status: criteria provided, single submitter. Criteria: CeGaT Center For Human Genetics Tuebingen Variant Classification Criteria Version 2. Collection method: clinical testing. Allele origin: germline. Affected: yes. Observed: 1 variant allele.
Comment: ADGRG4: BP4, BP7

NM_153834.4(ADGRG4):c.7749C>T (p.His2583=)

Gene: ADGRG4 (adhesion G protein-coupled receptor G4; plus strand). Cytogenetic location: Xq26.3.
Variant type: single nucleotide variant.
Coding change: c.7749C>T on transcript NM_153834.4 (MANE Select); coding-DNA position 7749, C replaced by T.
Protein change: p.His2583=; no amino-acid change (histidine 2583 retained).
Molecular consequence: synonymous variant.
Genome position (GRCh38, 1-based): chrX:136,373,037, C>T. VCF-style: chrX-136373037-C-T. GRCh37 (hg19) VCF-style: chrX-135455196-C-T.
Identifiers: ClinVar variation 2661515 (VCV002661515.24), dbSNP rs772253238, ClinGen allele CA10527004.
Genomic context (GRCh38, chrX:136,373,037, plus strand): 5'-GCTGGCTTTGGCTGTGCTGCGGGGGGACCACACGTTTGATGGCATGGCTTTCAGCATTCA[C>T]TCCTATGAAGAAGGCACAGACCCTGAGGTGAGTGCAGCTCAGGGAACTGAGAGCCAATCA-3'
Protein context (NP_722576.3, residues 2573-2593): HTFDGMAFSI[His2583=]SYEEGTDPEI